The following is an entry in ClinVar:

ClinVar aggregate classification (germline): Likely pathogenic (1 of 4 stars; one submission).

Conditions:
Primary ciliary dyskinesia. Also called: Ciliary dyskinesia. Identifiers: Orphanet 244, MedGen C0008780, MONDO:0016575, HP:0012265.

Submission:

Department of Human Genetics, Hannover Medical School
Classification: Likely pathogenic for Primary Ciliary Dyskinesia. Last evaluated: 2026-04-01. Review status: criteria provided, single submitter. Criteria: ACMG Guidelines, 2015. Collection method: research. Allele origin: germline. Affected: no.
Comment: Classification performed by HerediClassify using the following criteria:['PM2_supporting: Variant occures does not occur as homozygous in gnomAD.', 'PVS1_splicing_very_strong: Transcript ENST00000651323 undergoes NMD.']

NM_025099.6(CTC1):c.2060+2T>G

Gene: CTC1 (CST telomere replication complex component 1; minus strand). Cytogenetic location: 17p13.1.
Variant type: single nucleotide variant.
Coding change: c.2060+2T>G on transcript NM_025099.6 (MANE Select); the canonical splice donor site of the intron after coding-DNA position 2060, T replaced by G.
Molecular consequence: splice donor variant.
Genome position (GRCh38, 1-based): chr17:8,232,359, A>C on the plus strand (T>G on the coding strand, the complement: CTC1 is on the minus strand). VCF-style: chr17-8232359-A-C. GRCh37 (hg19) VCF-style: chr17-8135677-A-C.
Other names: c.2060+2T>G (NM_001411067.1).
Identifiers: ClinVar variation 4880045 (VCV004880045.1).